The following is an entry in ClinVar:

ClinVar aggregate classification (germline): Uncertain significance (1 of 4 stars; one submission).

Conditions:
Short-rib thoracic dysplasia 10 with or without polydactyly (SRTD10). Identifiers: Orphanet 474, MedGen C3810175, MONDO:0014284, OMIM 615630.
Retinitis pigmentosa 71 (RP71). Identifiers: Orphanet 791, MedGen C4225342, MONDO:0014618, OMIM 616394.

Allele frequency attached by ClinVar (database versions not stated): gnomAD exomes below 0.00001.
gnomAD v4.1: 1 of 1,612,440 alleles (0.000062%); highest among the groups gnomAD compares: Admixed American, 0.0017%; no homozygotes.

Submission:

Labcorp Genetics (formerly Invitae), Labcorp
Classification: Uncertain significance for Retinitis pigmentosa 71; Short-rib thoracic dysplasia 10 with or without polydactyly. Last evaluated: 2021-12-15. Review status: criteria provided, single submitter. Criteria: Invitae Variant Classification Sherloc (09022015). Collection method: clinical testing. Allele origin: germline.
Comment: In summary, the available evidence is currently insufficient to determine the role of this variant in disease. Therefore, it has been classified as a Variant of Uncertain Significance. Variants that disrupt the consensus splice site are a relatively common cause of aberrant splicing (PMID: 17576681, 9536098). Algorithms developed to predict the effect of sequence changes on RNA splicing suggest that this variant is not likely to affect RNA splicing. This variant has not been reported in the literature in individuals affected with IFT172-related conditions. This variant is not present in population databases (gnomAD no frequency). This sequence change falls in intron 18 of the IFT172 gene. It does not directly change the encoded amino acid sequence of the IFT172 protein. It affects a nucleotide within the consensus splice site.

Literature cited by the submitters: PubMed 17576681; PubMed 9536098.

NM_015662.3(IFT172):c.1937+6G>A

Gene: IFT172 (intraflagellar transport 172; minus strand). Cytogenetic location: 2p23.3.
Variant type: single nucleotide variant.
Coding change: c.1937+6G>A on transcript NM_015662.3 (MANE Select); 6 bases into the intron after coding-DNA position 1937, G replaced by A.
Molecular consequence: intron variant.
Genome position (GRCh38, 1-based): chr2:27,465,405, C>T on the plus strand (G>A on the coding strand, the complement: IFT172 is on the minus strand). VCF-style: chr2-27465405-C-T. GRCh37 (hg19) VCF-style: chr2-27688272-C-T.
Identifiers: ClinVar variation 1388206 (VCV001388206.6), dbSNP rs1558388446, ClinGen allele CA1240291695.